The following is an entry in ClinVar:

ClinVar aggregate classification (germline): Uncertain significance. Review status: criteria provided, multiple submitters, no conflicts (2 of 4 stars). 2 submissions from 2 submitters: Uncertain significance (2). Last evaluated 2025-09-02.

Allele frequency attached by ClinVar (database versions not stated): TOPMed below 0.00001; ExAC 0.00001; gnomAD 0.00001; gnomAD exomes 0.00001.
gnomAD v4.1: 14 of 1,613,458 alleles (0.00087%); highest among the groups gnomAD compares: South Asian, 0.0033%; no homozygotes.

Submissions (2):

Labcorp Genetics (formerly Invitae), Labcorp
Classification: Uncertain significance. Last evaluated: 2025-09-02. Review status: criteria provided, single submitter. Criteria: Invitae Variant Classification Sherloc (09022015). Collection method: clinical testing. Allele origin: germline.
Comment: This sequence change replaces arginine, which is basic and polar, with histidine, which is basic and polar, at codon 24 of the SLC24A1 protein (p.Arg24His). This variant is present in population databases (rs752066024, gnomAD 0.007%). This variant has not been reported in the literature in individuals affected with SLC24A1-related conditions. ClinVar contains an entry for this variant (Variation ID: 1494668). An algorithm developed to predict the effect of missense changes on protein structure and function (PolyPhen-2) suggests that this variant is likely to be disruptive. In summary, the available evidence is currently insufficient to determine the role of this variant in disease. Therefore, it has been classified as a Variant of Uncertain Significance.

Blueprint Genetics
Classification: Uncertain significance. Last evaluated: 2019-06-16. Review status: criteria provided, single submitter. Criteria: ACMG Guidelines, 2015. Collection method: clinical testing. Allele origin: germline.

NM_004727.3(SLC24A1):c.71G>A (p.Arg24His)

Gene: SLC24A1 (solute carrier family 24 member 1; plus strand). Cytogenetic location: 15q22.31.
Variant type: single nucleotide variant.
Coding change: c.71G>A on transcript NM_004727.3 (MANE Select); coding-DNA position 71, G replaced by A.
Protein change: p.Arg24His; replaces arginine 24 with histidine.
Molecular consequence: missense variant.
Genome position (GRCh38, 1-based): chr15:65,624,151, G>A. VCF-style: chr15-65624151-G-A. GRCh37 (hg19) VCF-style: chr15-65916489-G-A.
Other names: c.71G>A, p.Arg24His (NM_001301031.1, NM_001301032.1, NM_001301033.2); short protein forms R24H.
Identifiers: ClinVar variation 1494668 (VCV001494668.8), dbSNP rs752066024, ClinGen allele CA7619690.